The following is an entry in ClinVar:

NM_014975.3(MAST1):c.1906+5G>C

Gene: MAST1 (microtubule associated serine/threonine kinase 1; plus strand). Cytogenetic location: 19p13.13.
Variant type: single nucleotide variant.
Coding change: c.1906+5G>C on transcript NM_014975.3 (MANE Select); 5 bases into the intron after coding-DNA position 1906, G replaced by C.
Molecular consequence: intron variant.
Genome position (GRCh38, 1-based): chr19:12,865,823, G>C. VCF-style: chr19-12865823-G-C. GRCh37 (hg19) VCF-style: chr19-12976637-G-C.
Identifiers: ClinVar variation 2715057 (VCV002715057.3), dbSNP rs1439603003, ClinGen allele CA632121291.
Genomic context (GRCh38, chr19:12,865,823, plus strand): 5'-CCAACTCCTCATATCCAGCCTCCTGCAGACCAACCCTCTGGTCAGGCTTGGGGCAGGTAA[G>C]TCCGCCATGCAGAGGAGCTGAGGGCCCACTGATAGAGAGCAGGCCTCCAAAACCCCAGGC-3'

ClinVar aggregate classification (germline): Uncertain significance (1 of 4 stars; one submission).

Allele frequency attached by ClinVar (database versions not stated): gnomAD exomes 0.00001; gnomAD 0.00001.
gnomAD v4.1: 6 of 1,612,118 alleles (0.00037%); highest among the groups gnomAD compares: African/African-American, 0.0013%; no homozygotes.

Submission:

Labcorp Genetics (formerly Invitae), Labcorp
Classification: Uncertain significance. Last evaluated: 2023-12-28. Review status: criteria provided, single submitter. Criteria: Invitae Variant Classification Sherloc (09022015). Collection method: clinical testing. Allele origin: germline.
Comment: This sequence change falls in intron 16 of the MAST1 gene. It does not directly change the encoded amino acid sequence of the MAST1 protein. It affects a nucleotide within the consensus splice site. This variant is present in population databases (no rsID available, gnomAD 0.01%). This variant has not been reported in the literature in individuals affected with MAST1-related conditions. Variants that disrupt the consensus splice site are a relatively common cause of aberrant splicing (PMID: 17576681, 9536098). Algorithms developed to predict the effect of sequence changes on RNA splicing suggest that this variant is not likely to affect RNA splicing. In summary, the available evidence is currently insufficient to determine the role of this variant in disease. Therefore, it has been classified as a Variant of Uncertain Significance.

Literature cited by the submitters: PubMed 17576681; PubMed 9536098.